The following is an entry in ClinVar:

NM_000372.5(TYR):c.1307G>C (p.Gly436Ala)

Gene: TYR (tyrosinase; plus strand). Cytogenetic location: 11q14.3.
Variant type: single nucleotide variant.
Coding change: c.1307G>C on transcript NM_000372.5 (MANE Select); coding-DNA position 1307, G replaced by C.
Protein change: p.Gly436Ala; replaces glycine 436 with alanine.
Molecular consequence: missense variant.
Genome position (GRCh38, 1-based): chr11:89,284,895, G>C. VCF-style: chr11-89284895-G-C. GRCh37 (hg19) VCF-style: chr11-89018063-G-C.
Other names: short protein forms G436A.
Identifiers: ClinVar variation 882341 (VCV000882341.6), dbSNP rs199717334, ClinGen allele CA6221401.

ClinVar aggregate classification (germline): Uncertain significance. Review status: criteria provided, multiple submitters, no conflicts (2 of 4 stars). 3 submissions from 3 submitters: Uncertain significance (3). Last evaluated 2024-10-03.

Conditions:
Oculocutaneous albinism. Identifiers: Orphanet 55, MedGen C0078918, MONDO:0018910.

Allele frequency attached by ClinVar (database versions not stated): gnomAD exomes 0.00001 and 0.00003; TOPMed 0.00001; ExAC 0.00002; gnomAD 0.00003 and 0.00004.
gnomAD v4.1: 24 of 1,611,656 alleles (0.0015%); highest among the groups gnomAD compares: Middle Eastern, 0.017%; no homozygotes.

Submissions (3):

Blueprint Genetics
Classification: Uncertain significance. Last evaluated: 2024-10-03. Review status: criteria provided, single submitter. Criteria: ACMG Guidelines, 2015. Collection method: clinical testing. Allele origin: germline.

Labcorp Genetics (formerly Invitae), Labcorp
Classification: Uncertain significance. Last evaluated: 2022-10-18. Review status: criteria provided, single submitter. Criteria: Invitae Variant Classification Sherloc (09022015). Collection method: clinical testing. Allele origin: germline.
Comment: This sequence change replaces glycine, which is neutral and non-polar, with alanine, which is neutral and non-polar, at codon 436 of the TYR protein (p.Gly436Ala). This variant is present in population databases (rs199717334, gnomAD 0.003%). This variant has not been reported in the literature in individuals affected with TYR-related conditions. ClinVar contains an entry for this variant (Variation ID: 882341). Advanced modeling of protein sequence and biophysical properties (such as structural, functional, and spatial information, amino acid conservation, physicochemical variation, residue mobility, and thermodynamic stability) performed at Invitae indicates that this missense variant is not expected to disrupt TYR protein function. In summary, the available evidence is currently insufficient to determine the role of this variant in disease. Therefore, it has been classified as a Variant of Uncertain Significance.

Illumina Laboratory Services, Illumina
Classification: Uncertain significance for Oculocutaneous albinism. Last evaluated: 2018-01-13. Review status: criteria provided, single submitter. Criteria: ICSL Variant Classification Criteria 13 December 2019. Collection method: clinical testing. Allele origin: germline.